The following is an entry in ClinVar:

NM_000388.4(CASR):c.69C>A (p.Asp23Glu)

Gene: CASR (calcium sensing receptor; plus strand). Cytogenetic location: 3q21.1.
Variant type: single nucleotide variant.
Coding change: c.69C>A on transcript NM_000388.4 (MANE Select); coding-DNA position 69, C replaced by A.
Protein change: p.Asp23Glu; replaces aspartic acid 23 with glutamic acid.
Molecular consequence: missense variant.
Genome position (GRCh38, 1-based): chr3:122,254,258, C>A. VCF-style: chr3-122254258-C-A. GRCh37 (hg19) VCF-style: chr3-121973105-C-A.
Other names: c.69C>A, p.Asp23Glu (NM_001178065.2); short protein forms D23E.
Identifiers: ClinVar variation 3263500 (VCV003263500.1).
Genomic context (GRCh38, chr3:122,254,258, plus strand): 5'-TTATAGCTGCTGCTGGGTCCTCTTGGCACTCACCTGGCACACCTCTGCCTACGGGCCAGA[C>A]CAGCGAGCCCAAAAGAAGGGGGACATTATCCTTGGGGGGCTCTTTCCTATTCATTTTGGA-3'
Protein context (NP_000379.3, residues 13-33): LTWHTSAYGP[Asp23Glu]QRAQKKGDII

ClinVar aggregate classification (germline): Uncertain significance (1 of 4 stars; one submission).

Conditions:
Nephrolithiasis/nephrocalcinosis. Identifiers: MedGen CN580796.

Submission:

Ambry Genetics
Classification: Uncertain significance for Nephrolithiasis/nephrocalcinosis. Last evaluated: 2024-06-04. Review status: criteria provided, single submitter. Criteria: Ambry Variant Classification Scheme 2023. Collection method: clinical testing. Allele origin: germline.
Comment: The p.D23E variant (also known as c.69C>A), located in coding exon 1 of the CASR gene, results from a C to A substitution at nucleotide position 69. The aspartic acid at codon 23 is replaced by glutamic acid, an amino acid with highly similar properties. This amino acid position is not well conserved in available vertebrate species. In addition, this alteration is predicted to be tolerated by in silico analysis. In addition, the evidence for the gene-disease relationship is limited for pancreatitis and cancer predisposition; therefore, the clinical significance of this variant for CASR-related pancreatitis and cancer predisposition is unclear. Based on the available evidence, the clinical significance of this variant remains unclear.